The following is an entry in ClinVar:

NM_000023.4(SGCA):c.454_477del (p.Thr152_Ser159del)

Gene: SGCA (sarcoglycan alpha; plus strand). Cytogenetic location: 17q21.33.
Variant type: Deletion.
Coding change: c.454_477del on transcript NM_000023.4 (MANE Select); coding-DNA positions 454 to 477, 24 bases deleted (ACACCTGCCAGCCGCTTCCTCTCA).
Protein change: p.Thr152_Ser159del.
Molecular consequence: inframe deletion. On other transcripts: non-coding transcript variant (1).
Genome position (GRCh38, 1-based): chr17:50,168,442-50,168,465, ACACCTGCCAGCCGCTTCCTCTCA deleted; deleting any 24 consecutive bases within chr17:50,168,438-50,168,465 gives the same sequence; the c. name uses the placement nearest the transcript's 3' end. VCF-style (leftmost placement, unchanged base first): chr17-50168437-CCTCAACACCTGCCAGCCGCTTCCT-C. GRCh37 (hg19) VCF-style: chr17-48245798-CCTCAACACCTGCCAGCCGCTTCCT-C.
Other names: c.454_477del, p.Thr152_Ser159del (NM_001135697.3).
Identifiers: ClinVar variation 5004820 (VCV005004820.1).

ClinVar aggregate classification (germline): Uncertain significance (1 of 4 stars; one submission).

Conditions:
Autosomal recessive limb-girdle muscular dystrophy type 2D (LGMDR3). Also called: DUCHENNE-LIKE AUTOSOMAL RECESSIVE MUSCULAR DYSTROPHY, TYPE 2; MUSCULAR DYSTROPHY, LIMB-GIRDLE, AUTOSOMAL RECESSIVE 3; ADHALINOPATHY, PRIMARY. Identifiers: Orphanet 62, MedGen C2936332, MONDO:0011968, OMIM 608099. Disease mechanism: Affects gamma-sarcoglycan and also disrupts the integrity of the entire sarcoglycan complex..

Submission:

Myriad Genetics, Inc.
Classification: Uncertain significance for Autosomal recessive limb-girdle muscular dystrophy type 2D. Last evaluated: 2026-07-28. Review status: criteria provided, single submitter. Criteria: Myriad Autosomal Dominant, Autosomal Recessive and X-Linked Classification Criteria (2023). Collection method: clinical testing. Allele origin: unknown.
Comment: NM_000023.2(SGCA):c.454_477del24(T152_S159del) is an in-frame deletion classified as a variant of uncertain significance in the context of alpha-sarcoglycanopathy. T152_S159del has not been observed in cases with relevant disease. Relevant functional assessments of this variant are not available in the literature. T152_S159del has not been observed in referenced population frequency databases. In summary, there is insufficient evidence to classify NM_000023.2(SGCA):c.454_477del24(T152_S159del) as pathogenic or benign. Please note: this variant was assessed in the context of healthy population screening.